The following is an entry in ClinVar:

ClinVar aggregate classification (germline): Pathogenic. Review status: criteria provided, multiple submitters, no conflicts (2 of 4 stars). 15 submissions from 13 submitters: Pathogenic (11). 4 of the submissions do not count toward it. Last evaluated 2025-12-09.

Conditions:
Early-infantile DEE. Also called: Ohtahara syndrome; Early infantile epileptic encephalopathy; Early infantile epileptic encephalopathy with suppression bursts. Identifiers: Orphanet 1934, MedGen C0393706, MONDO:0800491.
Developmental and epileptic encephalopathy, 7 (DEE7). Also called: KCNQ2-Related Neonatal Epileptic Encephalopathy; Early infantile epileptic encephalopathy 7; KCNQ2-Related Neonatal-Onset Developmental and Epileptic Encephalopathy (NEO-DEE). Identifiers: Orphanet 439218, MedGen C3150986, MONDO:0013387, OMIM 613720.
Seizures, benign familial neonatal, 1. Also called: Benign Neonatal Epilepsy 1; KCNQ2-Related Benign Familial Neonatal Epilepsy; KCNQ2-Related Self-Limited Familial Neonatal Epilepsy (SLFNE); Seizures, benign neonatal, 1. Identifiers: Orphanet 1949, MedGen C3149074, MONDO:0007365, OMIM 121200.

Submissions 1 to 11 of 21:

Variantyx, Inc.
Classification: Pathogenic for Developmental and epileptic encephalopathy, 7. Last evaluated: 2025-12-09. Review status: criteria provided, single submitter. Criteria: Variantyx Assertion Criteria 2022. Collection method: clinical testing. Allele origin: de novo. Inheritance: Autosomal dominant inheritance. Affected: yes.
Comment: This is a nonsynonymous variant in the KCNQ2 gene (OMIM: 602235). Pathogenic variants in this gene have been associated with autosomal dominant developmental and epileptic encephalopathy 7. Functional studies have shown that this variant alters KCNQ2 protein function (PMID: 25740509) (PS3_Moderate), and multiple computational algorithms predict a deleterious effect for this variant (REVEL score: 0.931) (PP3). Moreover, the alteration lies within a known hotspot for pathogenic variants or a well-established critical functional domain of the KCNQ2 protein (PM1). This variant is absent from control populations (PM2). Based on the current evidence, this variant is classified as pathogenic for autosomal dominant developmental and epileptic encephalopathy 7.

Labcorp Genetics (formerly Invitae), Labcorp
Classification: Pathogenic for Early-infantile DEE. Last evaluated: 2024-02-13. Review status: criteria provided, single submitter. Criteria: Invitae Variant Classification Sherloc (09022015). Collection method: clinical testing. Allele origin: germline.
Comment: This sequence change replaces arginine, which is basic and polar, with cysteine, which is neutral and slightly polar, at codon 201 of the KCNQ2 protein (p.Arg201Cys). This variant is not present in population databases (gnomAD no frequency). This missense change has been observed in individual(s) with early infantile epileptic encephalopathy (PMID: 24107868, 27535030, 28133863, 28687180). In at least one individual the variant was observed to be de novo. ClinVar contains an entry for this variant (Variation ID: 205869). Advanced modeling of protein sequence and biophysical properties (such as structural, functional, and spatial information, amino acid conservation, physicochemical variation, residue mobility, and thermodynamic stability) performed at Invitae indicates that this missense variant is expected to disrupt KCNQ2 protein function with a positive predictive value of 95%. Experimental studies have shown that this missense change affects KCNQ2 function (PMID: 25740509). This variant disrupts the p.Arg201 amino acid residue in KCNQ2. Other variant(s) that disrupt this residue have been determined to be pathogenic (PMID: 23708187, 25880994, 28139826, 29190809). This suggests that this residue is clinically significant, and that variants that disrupt this residue are likely to be disease-causing. For these reasons, this variant has been classified as Pathogenic.

Duke University Health System Sequencing Clinic, Duke University Health System
Classification: Pathogenic for Developmental and epileptic encephalopathy, 7. Last evaluated: 2023-04-20. Review status: criteria provided, single submitter. Criteria: ACMG Guidelines, 2015. Collection method: research. Allele origin: de novo. Affected: yes.

Mendelics
Classification: Pathogenic for Seizures, benign familial neonatal, 1. Last evaluated: 2022-05-04. Review status: criteria provided, single submitter. Criteria: Mendelics Assertion Criteria 2019. Collection method: clinical testing. Allele origin: germline.

3billion
Classification: Pathogenic for Developmental and epileptic encephalopathy, 7. Last evaluated: 2022-03-22. Review status: criteria provided, single submitter. Criteria: ACMG Guidelines, 2015. Collection method: clinical testing. Allele origin: germline. Affected: yes. Observed: 1 heterozygote.
Comment: Same or different nucleotide change resulting in same amino acid change has been previously reported as pathogenic/likely pathogenic with strong evidence (ClinVar ID: VCV000205869, PMID:24107868). The variant has been previously reported as de novo in a similarly affected individual (PMID: 27535030). The variant is located in a mutational hot spot and/or well-established functional domain in which established pathogenic variants have been reported. A different missense change at the same codon has been reported as pathogenic/likely pathogenic with strong evidence (ClinVar ID: VCV000369753, PMID:23708187). In silico tool predictions suggest damaging effect of the variant on gene or gene product(REVEL: 0.931>=0.6, 3CNET: 0.997>=0.75). A missense variant is a common mechanism. It is not observed in the gnomAD v2.1.1 dataset. TTherefore, this variant is classified as pathogenic according to the recommendation of ACMG/AMP guideline.

GeneDx
Classification: Pathogenic. Last evaluated: 2021-11-16. Review status: criteria provided, single submitter. Criteria: GeneDx Variant Classification Process June 2021. Collection method: clinical testing. Allele origin: germline. Affected: yes.
Comment: Published functional studies demonstrate a gain-of-function (Miceli et al., 2015); In silico analysis, which includes protein predictors and evolutionary conservation, supports a deleterious effect; Not observed in large population cohorts (Lek et al., 2016); Missense variants in this gene are often considered pathogenic (Stenson et al., 2014); This variant is associated with the following publications: (PMID: 28687180, 25740509, 27535030, 28133863, 28867141, 24107868, 28139826, 32917465)

CeGaT Center for Human Genetics Tuebingen
Classification: Pathogenic. Last evaluated: 2018-06-01. Review status: criteria provided, single submitter. Criteria: CeGaT Center For Human Genetics Tuebingen Variant Classification Criteria Version 2. Collection method: clinical testing. Allele origin: germline. Affected: yes. Observed: 1 variant allele.

SIB Swiss Institute of Bioinformatics
Classification: Pathogenic for Developmental and epileptic encephalopathy, 7. Last evaluated: 2018-05-31. Review status: criteria provided, single submitter. Criteria: ACMG Guidelines, 2015. Collection method: curation. Allele origin: unknown.
Comment: This variant is interpreted as a Pathogenic, for Epileptic encephalopathy, early infantile, 7, in Autosomal Dominant manner. The following ACMG Tag(s) were applied: PP3 => Multiple lines of computational evidence support a deleterious effect on the gene or gene product. PS3 => Well-established functional studies show a deleterious effect. Loss of voltage-dependent channel gating and increased channel activation, gain-of-function mutation (PMID:25740509). PM2 => Absent from controls (or at extremely low frequency if recessive) in Exome Sequencing Project, 1000 Genomes Project, or Exome Aggregation Consortium. PS4-Moderate => Recurrent mutation (PMID:26993267,28133863,24107868,28687180). PM6 => Assumed de novo, but without confirmation of paternity and maternity (PMID:28687180).

Baylor Genetics
Classification: Pathogenic for Developmental and epileptic encephalopathy, 7. Review status: criteria provided, single submitter. Criteria: ACMG Guidelines, 2015. Collection method: clinical testing. Allele origin: unknown.

Neuberg Centre For Genomic Medicine, NCGM
Classification: Pathogenic for Developmental and epileptic encephalopathy, 7. Review status: criteria provided, single submitter. Criteria: ACMG Guidelines, 2015. Collection method: clinical testing. Allele origin: germline. Inheritance: Autosomal dominant inheritance. Affected: yes.
Comment: The missense variant c.601C>T (p.Arg201Cys) in the KCNQ2 gene has been reported in heterozygous state in an individual affected with early onset epileptic encephalopathy (Hortigüela M. et al., 2017). Experimental studies have shown that this missense change stabilized the activated state of the channel, thereby producing gain-of function (Miceli F. et al., 2015). The variant is novel (not in any individuals) in gnomAD Exomes and 1000 Genomes databases. It has been submitted to ClinVar with varying interpretations: Pathogenic/ Uncertain Significance. The amino acid Arginine at position 201 is changed to a Cysteine changing protein sequence and it might alter its composition and physico-chemical properties. The variant is predicted as conserved by GERP++ and PhyloP across 100 vertebrates. For these reasons, this variant has been classified as Pathogenic.

NeuroMeGen, Hospital Clinico Santiago de Compostela
Classification: Pathogenic for Developmental and epileptic encephalopathy, 7. Review status: criteria provided, single submitter. Criteria: ACMG Guidelines, 2015. Collection method: clinical testing. Allele origin: de novo. Affected: yes.

NM_172107.4(KCNQ2):c.601C>T (p.Arg201Cys)

Gene: KCNQ2 (potassium voltage-gated channel subfamily Q member 2; minus strand). Cytogenetic location: 20q13.33.
Variant type: single nucleotide variant.
Coding change: c.601C>T on transcript NM_172107.4 (MANE Select); coding-DNA position 601, C replaced by T.
Protein change: p.Arg201Cys; replaces arginine 201 with cysteine.
Molecular consequence: missense variant.
Genome position (GRCh38, 1-based): chr20:63,444,748, G>A on the plus strand (C>T on the coding strand, the complement: KCNQ2 is on the minus strand). VCF-style: chr20-63444748-G-A. GRCh37 (hg19) VCF-style: chr20-62076101-G-A.
Other names: p.R201C:CGC>TGC; NM_004518.4(KCNQ2):c.601C>T(p.Arg201Cys); NM_172106.1(KCNQ2):c.601C>T(p.Arg201Cys); NM_172107.2(KCNQ2):c.601C>T(p.Arg201Cys); NM_172108.3(KCNQ2):c.601C>T(p.Arg201Cys); NM_172109.1(KCNQ2):c.601C>T(p.Arg201Cys); c.601C>T, p.Arg201Cys (NM_004518.6, NM_172106.3, NM_172108.5 and 1 more transcripts); short protein forms R201C.
Identifiers: ClinVar variation 205869 (VCV000205869.66), dbSNP rs796052623, ClinGen allele CA278564.
Genomic context (GRCh38, chr20:63,444,748, plus strand): 5'-GCAGCTTCCAGGTGCCTCCCCGCCGGTCCATGCGGATCATCCGCAGAATCTGCAGGAAGC[G>A]CAGGCTCCGGAGCGCAGATGTGGCAAAGACGTTGCCCTGGGAGCCGGCGGCCAGCACCGC-3'
Protein context (NP_742105.1, residues 191-211): VFATSALRSL[Arg201Cys]FLQILRMIRM